The following is an entry in ClinVar:

NM_002473.6(MYH9):c.4269C>T (p.Asp1423=)

Gene: MYH9 (myosin heavy chain 9; minus strand). Cytogenetic location: 22q12.3.
Variant type: single nucleotide variant.
Coding change: c.4269C>T on transcript NM_002473.6 (MANE Select); coding-DNA position 4269, C replaced by T.
Protein change: p.Asp1423=; no amino-acid change (aspartic acid 1423 retained).
Molecular consequence: synonymous variant.
Genome position (GRCh38, 1-based): chr22:36,292,061, G>A on the plus strand (C>T on the coding strand, the complement: MYH9 is on the minus strand). VCF-style: chr22-36292061-G-A. GRCh37 (hg19) VCF-style: chr22-36688107-G-A.
Other names: p.Asp1423=.
Identifiers: ClinVar variation 2712307 (VCV002712307.6), dbSNP rs754341774, ClinGen allele CA10209418.

ClinVar aggregate classification (germline): Likely benign. Review status: criteria provided, multiple submitters, no conflicts (2 of 4 stars). 4 submissions from 4 submitters: Likely benign (4). Last evaluated 2025-05-05.

Allele frequency attached by ClinVar (database versions not stated): ExAC 0.00001; gnomAD 0.00005; TOPMed 0.00005.
gnomAD v4.1: 49 of 1,614,042 alleles (0.003%); highest among the groups gnomAD compares: African/African-American, 0.019%; no homozygotes.

Submissions (4):

Labcorp Genetics (formerly Invitae), Labcorp
Classification: Likely benign. Last evaluated: 2025-05-05. Review status: criteria provided, single submitter. Criteria: Invitae Variant Classification Sherloc (09022015). Collection method: clinical testing. Allele origin: germline.

Mayo Clinic Laboratories, Mayo Clinic
Classification: Likely benign. Last evaluated: 2025-02-18. Review status: criteria provided, single submitter. Criteria: ACMG Guidelines, 2015. Collection method: clinical testing. Allele origin: germline. Observed: 1 variant allele.
Comment: BS1_supporting, BP4, BP7

Blueprint Genetics
Classification: Likely benign. Last evaluated: 2024-11-22. Review status: criteria provided, single submitter. Criteria: ACMG Guidelines, 2015. Collection method: clinical testing. Allele origin: germline.

Women's Health and Genetics/Laboratory Corporation of America, LabCorp
Classification: Likely benign. Last evaluated: 2024-06-10. Review status: criteria provided, single submitter. Criteria: LabCorp Variant Classification Summary - May 2015. Collection method: clinical testing. Allele origin: germline.
Comment: Variant summary: MYH9 c.4269C>T alters a conserved nucleotide resulting in a synonymous change. Consensus agreement among computation tools predict no significant impact on normal splicing. However, these predictions have yet to be confirmed by functional studies. The variant allele was found at a frequency of 8e-06 in 251372 control chromosomes. The available data on variant occurrences in the general population are insufficient to allow any conclusion about variant significance. To our knowledge, no occurrence of c.4269C>T in individuals affected with Macrothrombocytopenia And Granulocyte Inclusions With Or Without Nephritis Or Sensorineural Hearing Loss and no experimental evidence demonstrating its impact on protein function have been reported. ClinVar contains an entry for this variant (Variation ID: 2712307). Based on the evidence outlined above, the variant was classified as likely benign.